The following is an entry in ClinVar:

ClinVar aggregate classification (germline): Uncertain significance. Review status: criteria provided, multiple submitters, no conflicts (2 of 4 stars). 4 submissions from 4 submitters: Uncertain significance (4). Last evaluated 2025-08-24.

Conditions:
Inborn genetic diseases. Identifiers: MedGen C0950123, MeSH D030342.
Retinitis pigmentosa (RP). Identifiers: Orphanet 791, MedGen C0035334, MeSH D012174, MONDO:0019200, OMIM 268000. Inheritance: Autosomal dominant, autosomal recessive and X linked inheritance.
Retinitis pigmentosa 49 (RP49). Identifiers: Orphanet 791, MedGen C3151059, MONDO:0013405, OMIM 613756.

Allele frequency attached by ClinVar (database versions not stated): ExAC 0.00001; gnomAD 0.00002 and 0.00003; gnomAD exomes 0.00002; TOPMed 0.00002.
gnomAD v4.1: 45 of 1,613,952 alleles (0.0028%); highest among the groups gnomAD compares: East Asian, 0.0089%; no homozygotes.

Submissions (4):

Ambry Genetics
Classification: Uncertain significance for Inborn genetic diseases. Last evaluated: 2025-08-24. Review status: criteria provided, single submitter. Criteria: Ambry Variant Classification Scheme 2023. Collection method: clinical testing. Allele origin: germline.

Labcorp Genetics (formerly Invitae), Labcorp
Classification: Uncertain significance. Last evaluated: 2022-07-06. Review status: criteria provided, single submitter. Criteria: Invitae Variant Classification Sherloc (09022015). Collection method: clinical testing. Allele origin: germline.
Comment: This sequence change replaces valine, which is neutral and non-polar, with methionine, which is neutral and non-polar, at codon 370 of the CNGA1 protein (p.Val370Met). This variant is present in population databases (rs758625358, gnomAD 0.008%). This variant has not been reported in the literature in individuals affected with CNGA1-related conditions. ClinVar contains an entry for this variant (Variation ID: 1060103). Algorithms developed to predict the effect of missense changes on protein structure and function are either unavailable or do not agree on the potential impact of this missense change (SIFT: "Deleterious"; PolyPhen-2: "Probably Damaging"; Align-GVGD: "Class C0"). In summary, the available evidence is currently insufficient to determine the role of this variant in disease. Therefore, it has been classified as a Variant of Uncertain Significance.

Blueprint Genetics
Classification: Uncertain significance. Last evaluated: 2022-05-03. Review status: criteria provided, single submitter. Criteria: ACMG Guidelines, 2015. Collection method: clinical testing. Allele origin: germline.

Fulgent Genetics
Classification: Uncertain significance for Retinitis pigmentosa; Retinitis pigmentosa 49. Last evaluated: 2022-02-17. Review status: criteria provided, single submitter. Criteria: ACMG Guidelines, 2015. Collection method: clinical testing. Allele origin: unknown.

NM_001379270.1(CNGA1):c.1096G>A (p.Val366Met)

Genes: CNGA1 (cyclic nucleotide gated channel subunit alpha 1; minus strand), LOC101927157 (uncharacterized LOC101927157; plus strand). Cytogenetic location: 4p12.
Variant type: single nucleotide variant.
Coding change: c.1096G>A on transcript NM_001379270.1 (MANE Select); coding-DNA position 1096, G replaced by A.
Protein change: p.Val366Met; replaces valine 366 with methionine.
Molecular consequence: missense variant.
Genome position (GRCh38, 1-based): chr4:47,937,386, C>T on the plus strand (G>A on the coding strand, the complement: CNGA1 is on the minus strand). VCF-style: chr4-47937386-C-T. GRCh37 (hg19) VCF-style: chr4-47939403-C-T.
Other names: c.1108G>A (NM_000087.3); c.1096G>A, p.Val366Met (NM_000087.5, NM_001142564.2); short protein forms V366M.
Identifiers: ClinVar variation 1060103 (VCV001060103.7), dbSNP rs758625358, ClinGen allele CA2911131.